The following is an entry in ClinVar:

NM_001556.3(IKBKB):c.2038C>T (p.Arg680Ter)

Gene: IKBKB (inhibitor of nuclear factor kappa B kinase subunit beta; plus strand). Cytogenetic location: 8p11.21.
Variant type: single nucleotide variant.
Coding change: c.2038C>T on transcript NM_001556.3 (MANE Select); coding-DNA position 2038, C replaced by T.
Protein change: p.Arg680Ter; replaces arginine 680 with a stop codon.
Molecular consequence: nonsense. On other transcripts: non-coding transcript variant (3).
Genome position (GRCh38, 1-based): chr8:42,326,021, C>T. VCF-style: chr8-42326021-C-T. GRCh37 (hg19) VCF-style: chr8-42183539-C-T.
Other names: c.1846C>T, p.Arg616Ter (NM_001190720.3); c.1861C>T, p.Arg621Ter (NM_001242778.2); short protein forms R616*, R621*, R680*.
Identifiers: ClinVar variation 3781051 (VCV003781051.1).

ClinVar aggregate classification (germline): Likely pathogenic (1 of 4 stars; one submission).

gnomAD v4.1: 3 of 1,614,220 alleles (0.00019%); highest among the groups gnomAD compares: Non-Finnish European, 0.00025%; no homozygotes.

Submission:

GeneDx
Classification: Likely pathogenic. Last evaluated: 2024-10-15. Review status: criteria provided, single submitter. Criteria: GeneDx Variant Classification Process June 2021. Collection method: clinical testing. Allele origin: germline. Affected: yes.
Comment: Apparently homozygous in a patient from a cohort of individuals with primary B cell defects, however, detailed clinical information was not provided (PMID: 36790564); Nonsense variant predicted to result in protein truncation or nonsense mediated decay in a gene for which loss of function is a known mechanism of disease; Not observed at significant frequency in large population cohorts (gnomAD); This variant is associated with the following publications: (PMID: Fathi2024[CaseReport], 36790564)